The following is an entry in ClinVar:

ClinVar aggregate classification (germline): Pathogenic. Review status: criteria provided, multiple submitters, no conflicts (2 of 4 stars). 2 submissions from 2 submitters: Pathogenic (2). Last evaluated 2025-09-12.

Conditions:
Monogenic hearing loss.

Submissions (2):

Genetics Laboratory, Great Ormond Street Hospital NHS Foundation Trust, North Thames Genomic Laboratory Hub
Classification: Pathogenic for Monogenic hearing loss. Last evaluated: 2025-09-12. Review status: criteria provided, single submitter. Criteria: ACGS Best Practice Guidelines for Variant Classification in Rare Disease 2024 v1.2. Collection method: clinical testing. Allele origin: germline. Affected: yes.
Comment: PM2_moderate, PVS1_very-strong, PM3_moderate

Labcorp Genetics (formerly Invitae), Labcorp
Classification: Pathogenic. Last evaluated: 2023-06-30. Review status: criteria provided, single submitter. Criteria: Invitae Variant Classification Sherloc (09022015). Collection method: clinical testing. Allele origin: germline.
Comment: For these reasons, this variant has been classified as Pathogenic. ClinVar contains an entry for this variant (Variation ID: 2090205). This variant has not been reported in the literature in individuals affected with ADGRV1-related conditions. This variant is not present in population databases (gnomAD no frequency). This sequence change creates a premature translational stop signal (p.Gly950Glufs*30) in the ADGRV1 gene. It is expected to result in an absent or disrupted protein product. Loss-of-function variants in ADGRV1 are known to be pathogenic (PMID: 19357117, 22135276, 22147658, 26226137, 30718709, 31047384, 32467589).

Literature cited by the submitters: PubMed 19357117 (cited by Labcorp Genetics (formerly Invitae), Labcorp); PubMed 22135276 (cited by Labcorp Genetics (formerly Invitae), Labcorp); PubMed 22147658 (cited by Labcorp Genetics (formerly Invitae), Labcorp); PubMed 26226137 (cited by Labcorp Genetics (formerly Invitae), Labcorp); PubMed 30718709 (cited by Labcorp Genetics (formerly Invitae), Labcorp); PubMed 31047384 (cited by Labcorp Genetics (formerly Invitae), Labcorp); PubMed 32467589 (cited by Labcorp Genetics (formerly Invitae), Labcorp).

NM_032119.4(ADGRV1):c.2849del (p.Gly950fs)

Gene: ADGRV1 (adhesion G protein-coupled receptor V1; plus strand). Cytogenetic location: 5q14.3.
Variant type: Deletion.
Coding change: c.2849del on transcript NM_032119.4 (MANE Select); coding-DNA position 2849, one base deleted (G; older notation c.2849delG).
Protein change: p.Gly950fs; shifts the reading frame from glycine 950.
Molecular consequence: frameshift variant. On other transcripts: non-coding transcript variant (1).
Genome position (GRCh38, 1-based): chr5:90,644,820, G deleted; the last of 2 consecutive G bases (chr5:90,644,819-90,644,820); deleting either gives the same sequence. VCF-style (leftmost placement, unchanged base first): chr5-90644818-TG-T. GRCh37 (hg19) VCF-style: chr5-89940635-TG-T.
Other names: short protein forms G950fs.
Identifiers: ClinVar variation 2090205 (VCV002090205.5), dbSNP rs2531999906, ClinGen allele CA2580073732.